The following is an entry in ClinVar:

NM_005476.7(GNE):c.903C>T (p.Ser301=)

Gene: GNE (glucosamine (UDP-N-acetyl)-2-epimerase/N-acetylmannosamine kinase; minus strand). Cytogenetic location: 9p13.3.
Variant type: single nucleotide variant.
Coding change: c.903C>T on transcript NM_005476.7 (MANE Select); coding-DNA position 903, C replaced by T.
Protein change: p.Ser301=; no amino-acid change (serine 301 retained).
Molecular consequence: synonymous variant.
Genome position (GRCh38, 1-based): chr9:36,233,999, G>A on the plus strand (C>T on the coding strand, the complement: GNE is on the minus strand). VCF-style: chr9-36233999-G-A. GRCh37 (hg19) VCF-style: chr9-36233996-G-A.
Other names: c.996C>T (NM_001128227.2); c.996C>T, p.Ser332= (NM_001128227.3); c.903C>T, p.Ser301= (NM_001190383.3); c.573C>T, p.Ser191= (NM_001190384.3); c.726C>T, p.Ser242= (NM_001190388.2, NM_001374798.1); c.750C>T, p.Ser250= (NM_001374797.1).
Identifiers: ClinVar variation 1152859 (VCV001152859.11), dbSNP rs777440792, ClinGen allele CA5056639.

ClinVar aggregate classification (germline): Likely benign. Review status: criteria provided, single submitter (1 of 4 stars). 2 submissions from 2 submitters: Likely benign (1). 1 of the submissions does not count toward it. Last evaluated 2024-01-11.

Conditions:
GNE myopathy (NM). Also called: IBM 2; Inclusion body myopathy autosomal recessive; Inclusion body myopathy quadriceps sparing; INCLUSION BODY MYOPATHY, HEREDITARY, AUTOSOMAL RECESSIVE; INCLUSION BODY MYOPATHY 2, AUTOSOMAL RECESSIVE; MYOPATHY, DISTAL, WITH OR WITHOUT RIMMED VACUOLES. Identifiers: Orphanet 602, MedGen C1853926, MONDO:0011603, OMIM 605820.
Sialuria. Also called: Sialic Acid Storage Disease; SIALURIA, FRENCH TYPE. Identifiers: Orphanet 3166, MedGen C0342853, MONDO:0010028, OMIM 269921.
GNE-related disorder. Also called: GNE-related condition.

Allele frequency attached by ClinVar (database versions not stated): TOPMed below 0.00001; ExAC 0.00001; gnomAD exomes 0.00001; gnomAD 0.00002.
gnomAD v4.1: 12 of 1,614,048 alleles (0.00074%); highest among the groups gnomAD compares: Non-Finnish European, 0.001%; 1 homozygote.

Submissions (2):

Labcorp Genetics (formerly Invitae), Labcorp
Classification: Likely benign for Sialuria; GNE myopathy. Last evaluated: 2024-01-11. Review status: criteria provided, single submitter. Criteria: Invitae Variant Classification Sherloc (09022015). Collection method: clinical testing. Allele origin: germline.

PreventionGenetics, part of Exact Sciences
Classification: Likely benign for GNE-related condition. Last evaluated: 2019-03-21. Review status: no assertion criteria provided. Collection method: clinical testing. Allele origin: germline. Not counted in ClinVar's aggregate classification.
Comment: This variant is classified as likely benign based on ACMG/AMP sequence variant interpretation guidelines (Richards et al. 2015 PMID: 25741868, with internal and published modifications).